The following is an entry in ClinVar:

NM_002292.4(LAMB2):c.2170G>T (p.Val724Phe)

Gene: LAMB2 (laminin subunit beta 2; minus strand). Cytogenetic location: 3p21.31.
Variant type: single nucleotide variant.
Coding change: c.2170G>T on transcript NM_002292.4 (MANE Select); coding-DNA position 2170, G replaced by T.
Protein change: p.Val724Phe; replaces valine 724 with phenylalanine.
Molecular consequence: missense variant.
Genome position (GRCh38, 1-based): chr3:49,126,141, C>A on the plus strand (G>T on the coding strand, the complement: LAMB2 is on the minus strand). VCF-style: chr3-49126141-C-A. GRCh37 (hg19) VCF-style: chr3-49163574-C-A.
Other names: short protein forms V724F.
Identifiers: ClinVar variation 943317 (VCV000943317.7), dbSNP rs1466437719, ClinGen allele CA352726434.

ClinVar aggregate classification (germline): Uncertain significance (1 of 4 stars; one submission).

Conditions:
Pierson syndrome. Also called: MICROCORIA-CONGENITAL NEPHROTIC SYNDROME. Identifiers: Orphanet 2670, MedGen C1836876, MONDO:0012184, OMIM 609049.
LAMB2-related infantile-onset nephrotic syndrome. Also called: Nephrotic Syndrome, type 5; NEPHROTIC SYNDROME, TYPE 5, WITHOUT OCULAR ABNORMALITIES; NEPHROTIC SYNDROME, TYPE 5, WITH OCULAR ABNORMALITIES. Identifiers: Orphanet 306507, MedGen C3280113, MONDO:0013621, OMIM 614199.

Allele frequency attached by ClinVar (database versions not stated): gnomAD exomes below 0.00001.
gnomAD v4.1: 4 of 1,612,820 alleles (0.00025%); highest among the groups gnomAD compares: Admixed American, 0.005%; 1 homozygote.

Submission:

Labcorp Genetics (formerly Invitae), Labcorp
Classification: Uncertain significance for LAMB2-related infantile-onset nephrotic syndrome; Pierson syndrome. Last evaluated: 2019-07-01. Review status: criteria provided, single submitter. Criteria: Invitae Variant Classification Sherloc (09022015). Collection method: clinical testing. Allele origin: germline.
Comment: In summary, the available evidence is currently insufficient to determine the role of this variant in disease. Therefore, it has been classified as a Variant of Uncertain Significance. Algorithms developed to predict the effect of missense changes on protein structure and function output the following: SIFT: "Tolerated"; PolyPhen-2: "Benign"; Align-GVGD: "Class C0". The phenylalanine amino acid residue is found in multiple mammalian species, suggesting that this missense change does not adversely affect protein function. These predictions have not been confirmed by published functional studies and their clinical significance is uncertain. This variant has not been reported in the literature in individuals with LAMB2-related conditions. This variant is not present in population databases (ExAC no frequency). This sequence change replaces valine with phenylalanine at codon 724 of the LAMB2 protein (p.Val724Phe). The valine residue is weakly conserved and there is a small physicochemical difference between valine and phenylalanine.